The following is an entry in ClinVar:

ClinVar aggregate classification (germline): Uncertain significance (1 of 4 stars; one submission).

Conditions:
Cardiovascular phenotype. Identifiers: MedGen CN230736.

Allele frequency attached by ClinVar (database versions not stated): gnomAD 0.00001; TOPMed 0.00002.
gnomAD v4.1: 2 of 1,551,334 alleles (0.00013%); highest among the groups gnomAD compares: Admixed American, 0.0039%; no homozygotes.

Submission:

Ambry Genetics
Classification: Uncertain significance for Cardiovascular phenotype. Last evaluated: 2022-03-17. Review status: criteria provided, single submitter. Criteria: Ambry Variant Classification Scheme 2023. Collection method: clinical testing. Allele origin: germline.
Comment: The p.F49V variant (also known as c.145T>G), located in coding exon 1 of the LMF1 gene, results from a T to G substitution at nucleotide position 145. The phenylalanine at codon 49 is replaced by valine, an amino acid with highly similar properties. This amino acid position is conserved. In addition, this alteration is predicted to be tolerated by in silico analysis. Since supporting evidence is limited at this time, the clinical significance of this alteration remains unclear.

NM_022773.4(LMF1):c.145T>G (p.Phe49Val)

Genes: LMF1 (lipase maturation factor 1; minus strand), LOC130058141 (ATAC-STARR-seq lymphoblastoid silent region 6962; plus strand). Cytogenetic location: 16p13.3.
Variant type: single nucleotide variant.
Coding change: c.145T>G on transcript NM_022773.4 (MANE Select); coding-DNA position 145, T replaced by G.
Protein change: p.Phe49Val; replaces phenylalanine 49 with valine.
Molecular consequence: missense variant. On other transcripts: 5 prime UTR variant (1), non-coding transcript variant (1), intron variant (3).
Genome position (GRCh38, 1-based): chr16:970,836, A>C on the plus strand (T>G on the coding strand, the complement: LMF1 is on the minus strand). VCF-style: chr16-970836-A-C. GRCh37 (hg19) VCF-style: chr16-1020836-A-C.
Other names: c.145T>G, p.Phe49Val (NM_001352020.1); c.-561T>G (NM_001352021.2); c.-135+10309T>G (NM_001352019.2); c.-611+10309T>G (NM_001352017.2); c.-362+10309T>G (NM_001352018.2); short protein forms F49V.
Identifiers: ClinVar variation 1773142 (VCV001773142.2), dbSNP rs965954981, ClinGen allele CA276558513.